The following is an entry in ClinVar:

NM_001111125.3(IQSEC2):c.2618G>C (p.Arg873Pro)

Gene: IQSEC2 (IQ motif and Sec7 domain ArfGEF 2; minus strand). Cytogenetic location: Xp11.22.
Variant type: single nucleotide variant.
Coding change: c.2618G>C on transcript NM_001111125.3 (MANE Select); coding-DNA position 2618, G replaced by C.
Protein change: p.Arg873Pro; replaces arginine 873 with proline.
Molecular consequence: missense variant.
Genome position (GRCh38, 1-based): chrX:53,247,100, C>G on the plus strand (G>C on the coding strand, the complement: IQSEC2 is on the minus strand). VCF-style: chrX-53247100-C-G. GRCh37 (hg19) VCF-style: chrX-53276282-C-G.
Other names: c.2618G>C, p.Arg873Pro (NM_001410736.1); c.2003G>C, p.Arg668Pro (NM_015075.2); short protein forms R873P, R668P.
Identifiers: ClinVar variation 2847595 (VCV002847595.4), dbSNP rs370830356, ClinGen allele CA413156315.
Genomic context (GRCh38, chrX:53,247,100, plus strand): 5'-GTATTGAGGAGGATGATGGCAAAAGCAAGGATGAAGATGGTGTCTGGGTTCCGGAACTGG[C>G]GCACGAGGGCTGGGTTACAGACACAGTACCGCTGGCTGCAGGGCAGGAGGGGTCAAAGCC-3'
Protein context (NP_001104595.1, residues 863-883): RYCVCNPALV[Arg873Pro]QFRNPDTIFI

ClinVar aggregate classification (germline): Uncertain significance. Review status: criteria provided, multiple submitters, no conflicts (2 of 4 stars). 2 submissions from 2 submitters: Uncertain significance (2). Last evaluated 2025-11-13.

Conditions:
Intellectual developmental disorder, X-linked 1. Also called: Atkin Flaitz Patil Smith syndrome; Intellectual disability, X-linked 1; MENTAL RETARDATION, X-LINKED 18; MENTAL RETARDATION, X-LINKED 78. Identifiers: Orphanet 777, MedGen C2931498, MONDO:0010656, OMIM 309530.

Submissions (2):

Greenwood Genetic Center Diagnostic Laboratories, Greenwood Genetic Center
Classification: Uncertain significance. Last evaluated: 2025-11-13. Review status: criteria provided, single submitter. Criteria: ACMG Guidelines, 2015. Collection method: clinical testing. Allele origin: germline. Affected: yes.
Comment: PM2, PP2

Labcorp Genetics (formerly Invitae), Labcorp
Classification: Uncertain significance for Intellectual developmental disorder, X-linked 1. Last evaluated: 2024-08-13. Review status: criteria provided, single submitter. Criteria: Invitae Variant Classification Sherloc (09022015). Collection method: clinical testing. Allele origin: germline.
Comment: This sequence change replaces arginine, which is basic and polar, with proline, which is neutral and non-polar, at codon 873 of the IQSEC2 protein (p.Arg873Pro). This variant is not present in population databases (gnomAD no frequency). This variant has not been reported in the literature in individuals affected with IQSEC2-related conditions. Advanced modeling of protein sequence and biophysical properties (such as structural, functional, and spatial information, amino acid conservation, physicochemical variation, residue mobility, and thermodynamic stability) has been performed at Invitae for this missense variant, however the output from this modeling did not meet the statistical confidence thresholds required to predict the impact of this variant on IQSEC2 protein function. In summary, the available evidence is currently insufficient to determine the role of this variant in disease. Therefore, it has been classified as a Variant of Uncertain Significance.